The following is an entry in ClinVar:

NM_018706.7(DHTKD1):c.2572+5G>A

Gene: DHTKD1 (dehydrogenase E1 and transketolase domain containing 1; plus strand). Cytogenetic location: 10p14.
Variant type: single nucleotide variant.
Coding change: c.2572+5G>A on transcript NM_018706.7 (MANE Select); 5 bases into the intron after coding-DNA position 2572, G replaced by A.
Molecular consequence: intron variant.
Genome position (GRCh38, 1-based): chr10:12,118,923, G>A. VCF-style: chr10-12118923-G-A. GRCh37 (hg19) VCF-style: chr10-12160922-G-A.
Identifiers: ClinVar variation 1003069 (VCV001003069.7), dbSNP rs1833469793, ClinGen allele CA1890972650.

ClinVar aggregate classification (germline): Uncertain significance (1 of 4 stars; one submission).

Conditions:
2-aminoadipic 2-oxoadipic aciduria (AAKAD). Also called: ALPHA-AMINOADIPIC AND ALPHA-KETOADIPIC ACIDURIA; Aminoadipic aciduria. Identifiers: Orphanet 79154, MedGen C1859817, MONDO:0008774, OMIM 204750.

Submission:

Labcorp Genetics (formerly Invitae), Labcorp
Classification: Uncertain significance for 2-aminoadipic 2-oxoadipic aciduria. Last evaluated: 2020-09-30. Review status: criteria provided, single submitter. Criteria: Invitae Variant Classification Sherloc (09022015). Collection method: clinical testing. Allele origin: germline.
Comment: In summary, the available evidence is currently insufficient to determine the role of this variant in disease. Therefore, it has been classified as a Variant of Uncertain Significance. Nucleotide substitutions within the consensus splice site are a relatively common cause of aberrant splicing (PMID: 17576681, 9536098). Algorithms developed to predict the effect of sequence changes on RNA splicing suggest that this variant may disrupt the consensus splice site, but this prediction has not been confirmed by published transcriptional studies. This sequence change falls in intron 15 of the DHTKD1 gene. It does not directly change the encoded amino acid sequence of the DHTKD1 protein, but it affects a nucleotide within the consensus splice site of the intron. This variant is not present in population databases (ExAC no frequency). This variant has not been reported in the literature in individuals with DHTKD1-related conditions.

Literature cited by the submitters: PubMed 17576681; PubMed 9536098.